The following is an entry in ClinVar:

NM_001737.5(C9):c.1268ATG[1] (p.Asp424del)

Gene: C9 (complement C9; minus strand). Cytogenetic location: 5p13.1.
Variant type: Microsatellite.
Coding change: c.1268ATG[1] on transcript NM_001737.5 (MANE Select); one copy of the 3-base unit ATG starting at c.1268; the reference has two copies in a row; one copy, 3 bases deleted.
Protein change: p.Asp424del; deletes aspartic acid 424.
Molecular consequence: inframe deletion.
Genome position (GRCh38, 1-based): chr5:39,306,760-39,306,762, CAT deleted on the plus strand (ATG on the coding strand, the reverse complement: C9 is on the minus strand); deleting any 3 consecutive bases within chr5:39,306,760-39,306,766 gives the same sequence; the position shown is the placement nearest the transcript's 3' end. VCF-style (leftmost placement, unchanged base first): chr5-39306759-ACAT-A. GRCh37 (hg19) VCF-style: chr5-39306861-ACAT-A.
Other names: short protein forms D424del.
Identifiers: ClinVar variation 1492498 (VCV001492498.6), dbSNP rs1471443595, ClinGen allele CA810486346.

ClinVar aggregate classification (germline): Uncertain significance (1 of 4 stars; one submission).

Submission:

Labcorp Genetics (formerly Invitae), Labcorp
Classification: Uncertain significance. Last evaluated: 2022-02-28. Review status: criteria provided, single submitter. Criteria: Invitae Variant Classification Sherloc (09022015). Collection method: clinical testing. Allele origin: germline.
Comment: This variant, c.1271_1273del, results in the deletion of 1 amino acid(s) of the C9 protein (p.Asp424del), but otherwise preserves the integrity of the reading frame. This variant is not present in population databases (gnomAD no frequency). This variant has not been reported in the literature in individuals affected with C9-related conditions. Experimental studies and prediction algorithms are not available or were not evaluated, and the functional significance of this variant is currently unknown. In summary, the available evidence is currently insufficient to determine the role of this variant in disease. Therefore, it has been classified as a Variant of Uncertain Significance.